The following is an entry in ClinVar:

NM_001289125.3(IFNAR2):c.1236C>G (p.Ser412Arg)

Genes: IFNAR2 (interferon alpha and beta receptor subunit 2; plus strand), IFNAR2-IL10RB (IFNAR2-IL10RB readthrough; plus strand). Cytogenetic location: 21q22.11.
Variant type: single nucleotide variant.
Coding change: c.1236C>G on transcript NM_001289125.3 (MANE Select); coding-DNA position 1236, C replaced by G.
Protein change: p.Ser412Arg; replaces serine 412 with arginine.
Molecular consequence: missense variant. On other transcripts: 3 prime UTR variant (5), intron variant (1).
Genome position (GRCh38, 1-based): chr21:33,263,188, C>G. VCF-style: chr21-33263188-C-G. GRCh37 (hg19) VCF-style: chr21-34635493-C-G.
Other names: c.*472C>G (NM_000874.5, NM_207584.3); c.*385C>G (NM_001289126.2, NM_001289128.2); c.*611C>G (NM_001385054.1); c.1236C>G, p.Ser412Arg (NM_001385055.1, NM_207585.3); c.710-5206C>G (NM_001414505.1); short protein forms S412R.
Identifiers: ClinVar variation 3652557 (VCV003652557.2).

ClinVar aggregate classification (germline): Uncertain significance (1 of 4 stars; one submission).

Submission:

Labcorp Genetics (formerly Invitae), Labcorp
Classification: Uncertain significance. Last evaluated: 2024-05-07. Review status: criteria provided, single submitter. Criteria: Invitae Variant Classification Sherloc (09022015). Collection method: clinical testing. Allele origin: germline.
Comment: This sequence change replaces serine, which is neutral and polar, with arginine, which is basic and polar, at codon 412 of the IFNAR2 protein (p.Ser412Arg). This variant is not present in population databases (gnomAD no frequency). This variant has not been reported in the literature in individuals affected with IFNAR2-related conditions. An algorithm developed to predict the effect of missense changes on protein structure and function (PolyPhen-2) suggests that this variant is likely to be tolerated. In summary, the available evidence is currently insufficient to determine the role of this variant in disease. Therefore, it has been classified as a Variant of Uncertain Significance.